The following is an entry in ClinVar:

NM_000059.4(BRCA2):c.1888dup (p.Thr630fs)

Gene: BRCA2 (BRCA2 DNA repair associated; plus strand). Cytogenetic location: 13q13.1.
Variant type: Duplication.
Coding change: c.1888dup on transcript NM_000059.4 (MANE Select); coding-DNA position 1888, one base duplicated (A; older notation c.1888dupA).
Protein change: p.Thr630fs; shifts the reading frame from threonine 630.
Molecular consequence: frameshift variant.
Genome position (GRCh38, 1-based): chr13:32,333,366, A duplicated. VCF-style (leftmost placement, unchanged base first): chr13-32333365-T-TA. GRCh37 (hg19) VCF-style: chr13-32907502-T-TA.
Other names: 2116insA; c.1888dupA (NM_000059.3); short protein forms T630fs.
Identifiers: ClinVar variation 51220 (VCV000051220.66), dbSNP rs80359314, ClinGen allele CA013728.

ClinVar aggregate classification (germline): Pathogenic. Review status: reviewed by expert panel (3 of 4 stars). 14 submissions from 14 submitters: Pathogenic (1). 13 of the submissions do not count toward it. Last evaluated 2016-09-08.

Conditions:
Inherited breast cancer and ovarian cancer.
Breast and/or ovarian cancer. Identifiers: MedGen CN221562.
Hereditary cancer-predisposing syndrome. Also called: Hereditary Cancer Syndrome; Tumor predisposition; Neoplastic Syndromes, Hereditary; Hereditary neoplastic syndrome. Identifiers: Orphanet 140162, MedGen C0027672, MeSH D009386, MONDO:0015356.
Hereditary breast ovarian cancer syndrome. Also called: Breast and ovarian cancer; BRCA1- and BRCA2-Associated Hereditary Breast and Ovarian Cancer; Hereditary breast and ovarian cancer; Hereditary breast and ovarian cancer syndrome (HBOC); Hereditary breast and ovarian cancer syndrome; Hereditary breast and/or ovarian cancer syndrome. Identifiers: Orphanet 145, MedGen C0677776, MeSH D061325, MONDO:0003582. Disease mechanism: loss of function.
Breast-ovarian cancer, familial, susceptibility to, 2 (BROVCA2). Also called: BRCA2 Hereditary Breast and Ovarian Cancer. Identifiers: Orphanet 145, MedGen C2675520, MONDO:0012933, OMIM 612555. Disease mechanism: loss of function.
Familial cancer of breast. Also called: BREAST CANCER, FAMILIAL; hereditary breast carcinoma; Hereditary breast cancer. Identifiers: Orphanet 227535, MedGen C0346153, MONDO:0016419, OMIM 114480. Disease mechanism: loss of function.

Allele frequency attached by ClinVar (database versions not stated): gnomAD exomes below 0.00001.

Submissions (14):

Evidence-based Network for the Interpretation of Germline Mutant Alleles (ENIGMA)
Classification: Pathogenic for Breast-ovarian cancer, familial, susceptibility to, 2. Last evaluated: 2016-09-08. Review status: reviewed by expert panel. Criteria: ENIGMA BRCA1/2 Classification Criteria (2015). Collection method: curation. Allele origin: germline.
Comment: Variant allele predicted to encode a truncated non-functional protein.

Labcorp Genetics (formerly Invitae), Labcorp
Classification: Pathogenic for Hereditary breast ovarian cancer syndrome. Last evaluated: 2026-01-16. Review status: criteria provided, single submitter. Criteria: Invitae Variant Classification Sherloc (09022015). Collection method: clinical testing. Allele origin: germline. Not counted in ClinVar's aggregate classification.
Comment: This sequence change creates a premature translational stop signal (p.Thr630Asnfs*6) in the BRCA2 gene. It is expected to result in an absent or disrupted protein product. Loss-of-function variants in BRCA2 are known to be pathogenic (PMID: 20104584). This variant is not present in population databases (gnomAD no frequency). This premature translational stop signal has been observed in individual(s) with breast and/or ovarian cancer and breast cancer and ovarian cancer (PMID: 22006311, 27157322, 28664506). This variant is also known as c.2116insA. ClinVar contains an entry for this variant (Variation ID: 51220). RNA analysis performed to evaluate the impact of this premature translational stop signal on mRNA splicing indicates it does not significantly alter splicing (internal data). For these reasons, this variant has been classified as Pathogenic.

Genetics Laboratory, Great Ormond Street Hospital NHS Foundation Trust, North Thames Genomic Laboratory Hub
Classification: Pathogenic for Inherited breast cancer and ovarian cancer. Last evaluated: 2025-08-19. Review status: criteria provided, single submitter. Criteria: CanVIG BRCA Gene Specific V1.22. Collection method: clinical testing. Allele origin: germline. Affected: yes. Not counted in ClinVar's aggregate classification.
Comment: PM2_supporting, PVS1_very-strong, PM5_strong

Dasa
Classification: Pathogenic for Breast-ovarian cancer, familial, susceptibility to, 2. Last evaluated: 2025-06-29. Review status: criteria provided, single submitter. Criteria: DASA Assertion Criteria. Collection method: clinical testing. Allele origin: germline. Not counted in ClinVar's aggregate classification.
Comment: NM_000059.4(BRCA2):c.1888dup (p.Thr630AsnfsTer6) introduces a premature termination codon predicted to result in loss of normal protein function. Loss-of-function is an established mechanism of disease for this gene. The affected residue or protein region has prior evidence supporting clinical relevance. The variant is present at low frequency in population datasets. Based on the available data, this variant is classified as pathogenic.

Ambry Genetics
Classification: Pathogenic for Hereditary cancer-predisposing syndrome. Last evaluated: 2024-07-16. Review status: criteria provided, single submitter. Criteria: Ambry Variant Classification Scheme 2023. Collection method: clinical testing. Allele origin: germline. Not counted in ClinVar's aggregate classification.
Comment: The c.1888dupA pathogenic mutation, located in coding exon 9 of the BRCA2 gene, results from a duplication of A at nucleotide position 1888, causing a translational frameshift with a predicted alternate stop codon (p.T630Nfs*6). This alteration has been identified in individuals diagnosed with ovarian cancer, breast cancer and melanoma (Walsh T et al. Proc. Natl. Acad. Sci. U.S.A., 2011 Nov;108:18032-7; Kwong A et al. J Mol Diagn, 2016 07;18:580-94; Yang XR et al. Breast Cancer Res Treat, 2017 Oct;165:687-697; Amaral T et al. Cancers (Basel), 2020 Apr;12:). This alteration has also been identified in an individual with a family history of pancreatic cancer (Abe T et al. J Clin Oncol, 2019 05;37:1070-1080). This variant is considered to be rare based on population cohorts in the Genome Aggregation Database (gnomAD). In addition to the clinical data presented in the literature, this alteration is expected to result in loss of function by premature protein truncation or nonsense-mediated mRNA decay. As such, this alteration is interpreted as a disease-causing mutation.

Institute of Human Genetics, University of Leipzig Medical Center
Classification: Pathogenic for Familial cancer of breast. Last evaluated: 2023-07-02. Review status: criteria provided, single submitter. Criteria: ACMG Guidelines, 2015. Collection method: clinical testing. Allele origin: unknown. Inheritance: Autosomal dominant inheritance. Affected: yes. Not counted in ClinVar's aggregate classification.
Comment: Criteria applied: PVS1,PS4,PM2_SUP

CHEO Genetics Diagnostic Laboratory, Children's Hospital of Eastern Ontario
Classification: Likely pathogenic for Breast and/or ovarian cancer. Last evaluated: 2022-09-19. Review status: criteria provided, single submitter. Criteria: ACMG Guidelines, 2015. Collection method: clinical testing. Allele origin: germline. Not counted in ClinVar's aggregate classification.

Color Diagnostics, LLC DBA Color Health
Classification: Pathogenic for Hereditary cancer-predisposing syndrome. Last evaluated: 2021-08-09. Review status: criteria provided, single submitter. Criteria: ACMG Guidelines, 2015. Collection method: clinical testing. Allele origin: germline. Not counted in ClinVar's aggregate classification.
Comment: This variant inserts 1 nucleotide in exon 10 of the BRCA2 gene, creating a frameshift and premature translation stop signal. This variant is also known as 2116insA and c.1887_1888insA in the literature. This variant is expected to result in an absent or non-functional protein product. To our knowledge, functional studies have not been reported for this variant. This variant has been detected in at least three individuals affected with breast and/or ovarian cancer (PMID: 24240112, 27157322, 28664506) and one individual each affected with pancreatic cancer and biliary tract cancer (PMID: 30883245, 31666926). This variant has not been identified in the general population by the Genome Aggregation Database (gnomAD). Loss of BRCA2 function is a known mechanism of disease. Based on the available evidence, this variant is classified as Pathogenic.

Women's Health and Genetics/Laboratory Corporation of America, LabCorp
Classification: Pathogenic for Hereditary breast and ovarian cancer syndrome. Last evaluated: 2019-11-29. Review status: criteria provided, single submitter. Criteria: LabCorp Variant Classification Summary - May 2015. Collection method: clinical testing. Allele origin: germline. Not counted in ClinVar's aggregate classification.
Comment: Variant summary: BRCA2 c.1888dupA (p.Thr630AsnfsX6) results in a premature termination codon, predicted to cause a truncation of the encoded protein or absence of the protein due to nonsense mediated decay, which are commonly known mechanisms for disease. Truncations downstream of this position have been classified as pathogenic by our laboratory. The variant was absent in 240976 control chromosomes (gnomAD). c.1888dupA has been reported in the literature in individuals affected with Hereditary Breast and Ovarian Cancer and bile duct carcinoma (Walsh_2011, Kwong_2016, Yang_2017, Pennington_2013, Terashima_2019). To our knowledge, no experimental evidence demonstrating an impact on protein function has been reported. Three ClinVar submissions (evaluation after 2014) including an expert panel, ENIGMA, cite the variant as pathogenic. Based on the evidence outlined above, the variant was classified as pathogenic.

Quest Diagnostics Nichols Institute San Juan Capistrano
Classification: Pathogenic. Last evaluated: 2019-11-07. Review status: criteria provided, single submitter. Criteria: Quest Diagnostics criteria. Collection method: clinical testing. Allele origin: unknown. Not counted in ClinVar's aggregate classification.
Comment: The variant results in a shift of the reading frame, and is therefore predicted to result in the loss of a functional protein. Found in at least one patient with expected phenotype for this gene, and not found in general population data.

GeneDx
Classification: Pathogenic. Last evaluated: 2019-08-30. Review status: criteria provided, single submitter. Criteria: GeneDx Variant Classification Process June 2021. Collection method: clinical testing. Allele origin: germline. Affected: yes. Not counted in ClinVar's aggregate classification.
Comment: Frameshift variant predicted to result in protein truncation or nonsense mediated decay in a gene for which loss-of-function is a known mechanism of disease; Not observed in large population cohorts (Lek et al., 2016); Truncating variants in this gene are considered pathogenic by a well-established clinical consortium and/or database; This variant is associated with the following publications: (PMID: 31666926, 29337092, 27157322, 28664506, 22006311)

CeGaT Center for Human Genetics Tuebingen
Classification: Pathogenic. Last evaluated: 2018-06-01. Review status: criteria provided, single submitter. Criteria: CeGaT Center For Human Genetics Tuebingen Variant Classification Criteria Version 2. Collection method: clinical testing. Allele origin: germline. Affected: yes. Observed: 1 variant allele. Not counted in ClinVar's aggregate classification.

Sharing Clinical Reports Project (SCRP)
Classification: Pathogenic for Breast-ovarian cancer, familial 2. Last evaluated: 2012-05-29. Review status: no assertion criteria provided. Collection method: clinical testing. Allele origin: germline. Not counted in ClinVar's aggregate classification.

Breast Cancer Information Core (BIC) (BRCA2)
Classification: Pathogenic for Breast-ovarian cancer, familial 2. Last evaluated: 2004-02-20. Review status: no assertion criteria provided. Collection method: clinical testing. Allele origin: germline. Affected: yes. Observed: 1 variant allele. Not counted in ClinVar's aggregate classification.

Literature cited by the submitters: PubMed 20104584 (cited by Labcorp Genetics (formerly Invitae), Labcorp); PubMed 22006311 (cited by 4 submitters); PubMed 27157322 (cited by 5 submitters); PubMed 28664506 (cited by 5 submitters); PubMed 30883245 (cited by 3 submitters); PubMed 32354124 (cited by Ambry Genetics); PubMed 24240112 (cited by 3 submitters); PubMed 31666926 (cited by Color Diagnostics, LLC DBA Color Health and Women's Health and Genetics/Laboratory Corporation of America, LabCorp).